The following is an entry in ClinVar:

NM_004656.4(BAP1):c.1730-9T>C

Gene: BAP1 (BRCA1 associated deubiquitinase 1; minus strand). Cytogenetic location: 3p21.1.
Variant type: single nucleotide variant.
Coding change: c.1730-9T>C on transcript NM_004656.4 (MANE Select); 9 bases into the intron before coding-DNA position 1730, T replaced by C.
Molecular consequence: intron variant.
Genome position (GRCh38, 1-based): chr3:52,403,307, A>G on the plus strand (T>C on the coding strand, the complement: BAP1 is on the minus strand). VCF-style: chr3-52403307-A-G. GRCh37 (hg19) VCF-style: chr3-52437323-A-G.
Other names: c.1676-9T>C (NM_001410772.1).
Identifiers: ClinVar variation 3379040 (VCV003379040.1).

ClinVar aggregate classification (germline): Likely benign (1 of 4 stars; one submission).

Conditions:
BAP1-related tumor predisposition syndrome (TPDS1). Also called: BAP1 tumor predisposition syndrome; Tumor susceptibility linked to germline BAP1 mutations; COMMON Syndrome; TUMOR PREDISPOSITION SYNDROME 1. Identifiers: Orphanet 289539, MedGen C3280492, MONDO:0013692, OMIM 614327.

Submission:

Myriad Genetics, Inc.
Classification: Likely benign for BAP1-related tumor predisposition syndrome. Last evaluated: 2024-07-17. Review status: criteria provided, single submitter. Criteria: Myriad Autosomal Dominant, Autosomal Recessive and X-Linked Classification Criteria (2023). Collection method: clinical testing. Allele origin: unknown.
Comment: This variant is considered likely benign. This variant is intronic and is not expected to impact mRNA splicing.